The following is an entry in ClinVar:

ClinVar aggregate classification (germline): Pathogenic. Review status: criteria provided, multiple submitters, no conflicts (2 of 4 stars). 2 submissions from 2 submitters: Pathogenic (2). Last evaluated 2025-04-03.

Conditions:
Duchenne muscular dystrophy (DMD). Also called: MUSCULAR DYSTROPHY, PSEUDOHYPERTROPHIC PROGRESSIVE, DUCHENNE TYPE; Duchenne Muscular Dystrophy (DMD). Identifiers: Orphanet 98896, MedGen C0013264, MONDO:0010679, OMIM 310200.

Submissions (2):

Labcorp Genetics (formerly Invitae), Labcorp
Classification: Pathogenic for Duchenne muscular dystrophy. Last evaluated: 2025-04-03. Review status: criteria provided, single submitter. Criteria: Invitae Variant Classification Sherloc (09022015). Collection method: clinical testing. Allele origin: germline.
Comment: This sequence change creates a premature translational stop signal (p.Gln3589*) in the DMD gene. It is expected to result in an absent or disrupted protein product. Loss-of-function variants in DMD are known to be pathogenic (PMID: 16770791, 25007885). This variant is not present in population databases (gnomAD no frequency). This variant has not been reported in the literature in individuals affected with DMD-related conditions. ClinVar contains an entry for this variant (Variation ID: 654722). Algorithms developed to predict the effect of sequence changes on RNA splicing suggest that this variant may disrupt the consensus splice site. For these reasons, this variant has been classified as Pathogenic.

Revvity Omics, Revvity
Classification: Pathogenic. Last evaluated: 2019-12-26. Review status: criteria provided, single submitter. Criteria: ACMG Guidelines, 2015. Collection method: clinical testing. Allele origin: germline.

Literature cited by the submitters: PubMed 16770791 (cited by Labcorp Genetics (formerly Invitae), Labcorp); PubMed 25007885 (cited by Labcorp Genetics (formerly Invitae), Labcorp).

NM_004006.3(DMD):c.10765C>T (p.Gln3589Ter)

Gene: DMD (dystrophin; minus strand). Cytogenetic location: Xp21.2.
Variant type: single nucleotide variant.
Coding change: c.10765C>T on transcript NM_004006.3 (MANE Select); coding-DNA position 10765, C replaced by T.
Protein change: p.Gln3589Ter; replaces glutamine 3589 with a stop codon.
Molecular consequence: nonsense.
Genome position (GRCh38, 1-based): chrX:31,147,307, G>A on the plus strand (C>T on the coding strand, the complement: DMD is on the minus strand). VCF-style: chrX-31147307-G-A. GRCh37 (hg19) VCF-style: chrX-31165424-G-A.
Other names: c.10741C>T, p.Gln3581Ter (NM_000109.4); c.10753C>T, p.Gln3585Ter (NM_004009.3); c.10396C>T, p.Gln3466Ter (NM_004010.3); c.6742C>T, p.Gln2248Ter (NM_004011.4); c.6733C>T, p.Gln2245Ter (NM_004012.4); c.3385C>T, p.Gln1129Ter (NM_004013.3, NM_004021.3); c.2578C>T, p.Gln860Ter (NM_004014.3); c.1561C>T, p.Gln521Ter (NM_004015.3, NM_004016.3); and 3 more; short protein forms Q1129*, Q2248*, Q3466*, Q3581*, Q3585*, Q1019*, Q2245*, Q508*.
Identifiers: ClinVar variation 654722 (VCV000654722.10), dbSNP rs1602145926, ClinGen allele CA412649049.
Genomic context (GRCh38, chrX:31,147,307, plus strand): 5'-TTTGTAAAAATCCCATCTCTCTCCTCACTTGCTCCAGCAGCTGCCTTAGCCTGTGTAACT[G>A]TGACTCCAGCTGTTTATTGTGGTCTTCCAGGATTTGCATCCTGGCTTCCAGGCGGCCTTT-3'